The following is an entry in ClinVar:

NM_001040142.2(SCN2A):c.1398_1400del (p.Ala467del)

Gene: SCN2A (sodium voltage-gated channel alpha subunit 2; plus strand). Cytogenetic location: 2q24.3.
Variant type: Deletion.
Coding change: c.1398_1400del on transcript NM_001040142.2 (MANE Select); coding-DNA positions 1398 to 1400, 3 bases deleted (CGC; older notation c.1398_1400delCGC).
Protein change: p.Ala467del; deletes alanine 467.
Molecular consequence: inframe deletion.
Genome position (GRCh38, 1-based): chr2:165,315,485-165,315,487, CGC deleted; deleting any 3 consecutive bases within chr2:165,315,483-165,315,487 gives the same sequence; the c. name uses the placement nearest the transcript's 3' end. VCF-style (leftmost placement, unchanged base first): chr2-165315482-AGCC-A. GRCh37 (hg19) VCF-style: chr2-166171992-AGCC-A.
Other names: c.1398_1400del, p.Ala467del (NM_001040143.2, NM_001371246.1, NM_001371247.1 and 1 more transcripts); short protein forms A467del.
Identifiers: ClinVar variation 1914039 (VCV001914039.5), dbSNP rs768321705, ClinGen allele CA59731565.
Genomic context (GRCh38, chr2:165,315,482, plus strand): 5'-TTACTTTTTAAGTTTATATGCAACTTCCACATACTTTGCGCCCTTCTAGGCGGCAGCTGC[AGCC>A]GCATCTGCTGAATCAAGAGACTTCAGTGGTGCTGGTGGGATAGGAGTTTTTTCAGAGAGT-3'

ClinVar aggregate classification (germline): Uncertain significance (1 of 4 stars; one submission).

Conditions:
Seizures, benign familial infantile, 3 (BFIS3). Also called: CONVULSIONS, BENIGN FAMILIAL INFANTILE, 3; Familial neonatal seizures. Identifiers: Orphanet 140927, Orphanet 306, MedGen C1843140, MONDO:0011904, OMIM 607745.
Developmental and epileptic encephalopathy, 11 (DEE11). Also called: Early infantile epileptic encephalopathy 11. Identifiers: Orphanet 1934, MedGen C3150987, MONDO:0013388, OMIM 613721.

Submission:

Labcorp Genetics (formerly Invitae), Labcorp
Classification: Uncertain significance for Seizures, benign familial infantile, 3; Developmental and epileptic encephalopathy, 11. Last evaluated: 2021-12-21. Review status: criteria provided, single submitter. Criteria: Invitae Variant Classification Sherloc (09022015). Collection method: clinical testing. Allele origin: germline.
Comment: In summary, the available evidence is currently insufficient to determine the role of this variant in disease. Therefore, it has been classified as a Variant of Uncertain Significance. Experimental studies and prediction algorithms are not available or were not evaluated, and the functional significance of this variant is currently unknown. This variant has not been reported in the literature in individuals affected with SCN2A-related conditions. This variant is not present in population databases (gnomAD no frequency). This variant, c.1398_1400del, results in the deletion of 1 amino acid(s) of the SCN2A protein (p.Ala467del), but otherwise preserves the integrity of the reading frame.